The following is an entry in ClinVar:

ClinVar aggregate classification (germline): Benign. Review status: criteria provided, multiple submitters, no conflicts (2 of 4 stars). 2 submissions from 2 submitters: Benign (2). Last evaluated 2018-06-14.

Allele frequency attached by ClinVar (database versions not stated): gnomAD exomes 0.46022; 1000 Genomes Project 0.49181; 1000 Genomes Project 30x 0.50000; gnomAD 0.50959 and 0.51507; ESP Exome Variant Server 0.51029; TOPMed 0.51258.
gnomAD v4.1: 744,702 of 1,601,194 alleles (47%); highest among the groups gnomAD compares: African/African-American, 61%; 174,933 homozygotes.

Submissions (2):

GeneDx
Classification: Benign. Last evaluated: 2018-06-14. Review status: criteria provided, single submitter. Criteria: GeneDx Variant Classification (06012015). Collection method: clinical testing. Allele origin: germline. Affected: yes.
Comment: This variant is considered likely benign or benign based on one or more of the following criteria: it is a conservative change, it occurs at a poorly conserved position in the protein, it is predicted to be benign by multiple in silico algorithms, and/or has population frequency not consistent with disease.

Breakthrough Genomics
Classification: Benign. Review status: criteria provided, single submitter. Criteria: ACMG Guidelines, 2015. Collection method: not provided. Allele origin: germline. Inheritance: Autosomal recessive inheritance. Affected: yes.

NM_001843.4(CNTN1):c.986-52T>C

Gene: CNTN1 (contactin 1; plus strand). Cytogenetic location: 12q12.
Variant type: single nucleotide variant.
Coding change: c.986-52T>C on transcript NM_001843.4 (MANE Select); 52 bases into the intron before coding-DNA position 986, T replaced by C.
Molecular consequence: intron variant.
Genome position (GRCh38, 1-based): chr12:40,936,729, T>C. VCF-style: chr12-40936729-T-C. GRCh37 (hg19) VCF-style: chr12-41330531-T-C.
Other names: c.986-52T>C (NM_001256063.2, NM_001256064.2); c.953-52T>C (NM_175038.2).
Identifiers: ClinVar variation 679156 (VCV000679156.2), dbSNP rs2289522, ClinGen allele CA15752230.